The following is an entry in ClinVar:

ClinVar aggregate classification (germline): Uncertain significance (1 of 4 stars; one submission).

gnomAD v4.1: 1 of 1,610,834 alleles (0.000062%); highest among the groups gnomAD compares: Non-Finnish European, 0.000085%; no homozygotes.

Submission:

Labcorp Genetics (formerly Invitae), Labcorp
Classification: Uncertain significance. Last evaluated: 2022-08-05. Review status: criteria provided, single submitter. Criteria: Invitae Variant Classification Sherloc (09022015). Collection method: clinical testing. Allele origin: germline.
Comment: This variant is not present in population databases (gnomAD no frequency). In summary, the available evidence is currently insufficient to determine the role of this variant in disease. Therefore, it has been classified as a Variant of Uncertain Significance. Algorithms developed to predict the effect of missense changes on protein structure and function are either unavailable or do not agree on the potential impact of this missense change (SIFT: "Deleterious"; PolyPhen-2: "Not Available"; Align-GVGD: "Class C65"). This variant has not been reported in the literature in individuals affected with CDH23-related conditions. This sequence change replaces arginine, which is basic and polar, with serine, which is neutral and polar, at codon 1596 of the CDH23 protein (p.Arg1596Ser).

NM_022124.6(CDH23):c.4786C>A (p.Arg1596Ser)

Gene: CDH23 (cadherin related 23; plus strand). Cytogenetic location: 10q22.1.
Variant type: single nucleotide variant.
Coding change: c.4786C>A on transcript NM_022124.6 (MANE Select); coding-DNA position 4786, C replaced by A.
Protein change: p.Arg1596Ser; replaces arginine 1596 with serine.
Molecular consequence: missense variant.
Genome position (GRCh38, 1-based): chr10:71,741,862, C>A. VCF-style: chr10-71741862-C-A. GRCh37 (hg19) VCF-style: chr10-73501619-C-A.
Other names: short protein forms R1596S.
Identifiers: ClinVar variation 1963912 (VCV001963912.5), dbSNP rs372636295, ClinGen allele CA377130329.